The following is an entry in ClinVar:

ClinVar aggregate classification (germline): Conflicting classifications of pathogenicity. Review status: criteria provided, conflicting classifications (1 of 4 stars). 2 submissions from 2 submitters: Uncertain significance (1); Likely benign (1). Last evaluated 2024-10-03.

Conditions:
Inborn genetic diseases. Identifiers: MedGen C0950123, MeSH D030342.
Developmental and epileptic encephalopathy, 25 (DEE25). Also called: Epileptic encephalopathy, early infantile, 25; Developmental and epileptic encephalopathy 25, with amelogenesis imperfecta; Epileptic encephalopathy, early infantile, 25, with amelogenesis imperfecta. Identifiers: Orphanet 442835, MedGen C4014621, MONDO:0014392, OMIM 615905.

Allele frequency attached by ClinVar (database versions not stated): gnomAD exomes 0.00003 and 0.00008; ExAC 0.00006; TOPMed 0.00006; gnomAD 0.00007.
gnomAD v4.1: 63 of 1,593,878 alleles (0.004%); highest among the groups gnomAD compares: Admixed American, 0.0072%; no homozygotes.

Submissions (2):

Ambry Genetics
Classification: Likely benign for Inborn genetic diseases. Last evaluated: 2024-10-03. Review status: criteria provided, single submitter. Criteria: Ambry Variant Classification Scheme 2023. Collection method: clinical testing. Allele origin: germline.

Labcorp Genetics (formerly Invitae), Labcorp
Classification: Uncertain significance for Developmental and epileptic encephalopathy, 25. Last evaluated: 2022-08-18. Review status: criteria provided, single submitter. Criteria: Invitae Variant Classification Sherloc (09022015). Collection method: clinical testing. Allele origin: germline.
Comment: This sequence change replaces arginine, which is basic and polar, with histidine, which is basic and polar, at codon 481 of the SLC13A5 protein (p.Arg481His). This variant is present in population databases (rs762789388, gnomAD 0.1%). This variant has not been reported in the literature in individuals affected with SLC13A5-related conditions. ClinVar contains an entry for this variant (Variation ID: 1054414). Algorithms developed to predict the effect of missense changes on protein structure and function are either unavailable or do not agree on the potential impact of this missense change (SIFT: "Tolerated"; PolyPhen-2: "Possibly Damaging"; Align-GVGD: "Class C0"). In summary, the available evidence is currently insufficient to determine the role of this variant in disease. Therefore, it has been classified as a Variant of Uncertain Significance.

NM_177550.5(SLC13A5):c.1442G>A (p.Arg481His)

Gene: SLC13A5 (solute carrier family 13 member 5; minus strand). Cytogenetic location: 17p13.1.
Variant type: single nucleotide variant.
Coding change: c.1442G>A on transcript NM_177550.5 (MANE Select); coding-DNA position 1442, G replaced by A.
Protein change: p.Arg481His; replaces arginine 481 with histidine.
Molecular consequence: missense variant. On other transcripts: intron variant (1).
Genome position (GRCh38, 1-based): chr17:6,687,662, C>T on the plus strand (G>A on the coding strand, the complement: SLC13A5 is on the minus strand). VCF-style: chr17-6687662-C-T. GRCh37 (hg19) VCF-style: chr17-6590981-C-T.
Other names: c.1391G>A, p.Arg464His (NM_001284509.2); c.1313G>A, p.Arg438His (NM_001284510.2); c.1438-1324G>A (NM_001143838.3); short protein forms R438H, R464H, R481H.
Identifiers: ClinVar variation 1054414 (VCV001054414.10), dbSNP rs762789388, ClinGen allele CA8331369.